The following is an entry in ClinVar:

ClinVar aggregate classification (germline): Uncertain significance. Review status: criteria provided, multiple submitters, no conflicts (2 of 4 stars). 2 submissions from 2 submitters: Uncertain significance (2). Last evaluated 2025-07-01.

Conditions:
Hajdu-Cheney syndrome (HJCYS). Also called: Acroosteolysis dominant type; ACROOSTEOLYSIS WITH OSTEOPOROSIS AND CHANGES IN SKULL AND MANDIBLE; SERPENTINE FIBULA-POLYCYSTIC KIDNEY SYNDROME. Identifiers: Orphanet 955, MedGen C0917715, MONDO:0007057, OMIM 102500.

Allele frequency attached by ClinVar (database versions not stated): gnomAD 0.00001.
gnomAD v4.1: 9 of 1,614,020 alleles (0.00056%); highest among the groups gnomAD compares: Non-Finnish European, 0.00076%; no homozygotes.

Submissions (2):

CeGaT Center for Human Genetics Tuebingen
Classification: Uncertain significance. Last evaluated: 2025-07-01. Review status: criteria provided, single submitter. Criteria: CeGaT Center For Human Genetics Tuebingen Variant Classification Criteria Version 2. Collection method: clinical testing. Allele origin: germline. Affected: yes. Observed: 1 variant allele.
Comment: NOTCH2: PM2

Labcorp Genetics (formerly Invitae), Labcorp
Classification: Uncertain significance for Hajdu-Cheney syndrome. Last evaluated: 2025-02-04. Review status: criteria provided, single submitter. Criteria: Invitae Variant Classification Sherloc (09022015). Collection method: clinical testing. Allele origin: germline.
Comment: This sequence change replaces serine, which is neutral and polar, with threonine, which is neutral and polar, at codon 1030 of the NOTCH2 protein (p.Ser1030Thr). This variant is present in population databases (rs782643558, gnomAD 0.0009%). This variant has not been reported in the literature in individuals affected with NOTCH2-related conditions. ClinVar contains an entry for this variant (Variation ID: 3018371). Invitae Evidence Modeling of protein sequence and biophysical properties (such as structural, functional, and spatial information, amino acid conservation, physicochemical variation, residue mobility, and thermodynamic stability) indicates that this missense variant is not expected to disrupt NOTCH2 protein function with a negative predictive value of 80%. In summary, the available evidence is currently insufficient to determine the role of this variant in disease. Therefore, it has been classified as a Variant of Uncertain Significance.

NM_024408.4(NOTCH2):c.3089G>C (p.Ser1030Thr)

Gene: NOTCH2 (notch receptor 2; minus strand). Cytogenetic location: 1p12.
Variant type: single nucleotide variant.
Coding change: c.3089G>C on transcript NM_024408.4 (MANE Select); coding-DNA position 3089, G replaced by C.
Protein change: p.Ser1030Thr; replaces serine 1030 with threonine.
Molecular consequence: missense variant.
Genome position (GRCh38, 1-based): chr1:119,940,649, C>G on the plus strand (G>C on the coding strand, the complement: NOTCH2 is on the minus strand). VCF-style: chr1-119940649-C-G. GRCh37 (hg19) VCF-style: chr1-120483272-C-G.
Other names: c.3089G>C, p.Ser1030Thr (NM_001200001.2); short protein forms S1030T.
Identifiers: ClinVar variation 3018371 (VCV003018371.11), dbSNP rs782643558, ClinGen allele CA1040147.